The following is an entry in ClinVar:

NM_001042750.2(STAG2):c.1535-3_1535-2insTTA

Gene: STAG2 (STAG2 cohesin complex component; plus strand). Cytogenetic location: Xq25.
Variant type: Insertion.
Coding change: c.1535-3_1535-2insTTA on transcript NM_001042750.2 (MANE Select); 3 bases into the intron before coding-DNA position 1535 through the canonical splice acceptor site of the intron before coding-DNA position 1535, TTA inserted.
Molecular consequence: splice acceptor variant.
Genome position: GRCh38 VCF-style: chrX-124061768-T-TTTA. GRCh37 (hg19) VCF-style: chrX-123195618-T-TTTA.
Other names: c.1535-3_1535-2insTTA (NM_001042749.2, NM_001375366.1, NM_001375373.1 and 13 more transcripts).
Identifiers: ClinVar variation 1903500 (VCV001903500.5), dbSNP rs1556534407, ClinGen allele CA1137016825.

ClinVar aggregate classification (germline): Uncertain significance (1 of 4 stars; one submission).

Submission:

Labcorp Genetics (formerly Invitae), Labcorp
Classification: Uncertain significance. Last evaluated: 2025-05-21. Review status: criteria provided, single submitter. Criteria: Invitae Variant Classification Sherloc (09022015). Collection method: clinical testing. Allele origin: germline.
Comment: This sequence change falls in intron 16 of the STAG2 gene. It does not directly change the encoded amino acid sequence of the STAG2 protein. It affects a nucleotide within the consensus splice site. This variant is not present in population databases (gnomAD no frequency). This variant has not been reported in the literature in individuals affected with STAG2-related conditions. ClinVar contains an entry for this variant (Variation ID: 1903500). Variants that disrupt the consensus splice site are a relatively common cause of aberrant splicing (PMID: 17576681, 9536098). Algorithms developed to predict the effect of sequence changes on RNA splicing suggest that this variant may disrupt the consensus splice site. In summary, the available evidence is currently insufficient to determine the role of this variant in disease. Therefore, it has been classified as a Variant of Uncertain Significance.

Literature cited by the submitters: PubMed 17576681; PubMed 9536098.